The following is an entry in ClinVar:

ClinVar aggregate classification (germline): Conflicting classifications of pathogenicity. Review status: criteria provided, conflicting classifications (1 of 4 stars). 2 submissions from 2 submitters: Uncertain significance (1); Likely benign (1). Last evaluated 2025-12-12.

Conditions:
Hereditary cancer-predisposing syndrome. Also called: Neoplastic Syndromes, Hereditary; Tumor predisposition; Hereditary Cancer Syndrome; Hereditary neoplastic syndrome. Identifiers: Orphanet 140162, MedGen C0027672, MeSH D009386, MONDO:0015356.
Tuberous sclerosis 1 (TSC1). Identifiers: Orphanet 805, MedGen C1854465, MONDO:0008612, OMIM 191100.

Submissions (2):

Labcorp Genetics (formerly Invitae), Labcorp
Classification: Likely benign for Tuberous sclerosis 1. Last evaluated: 2025-12-12. Review status: criteria provided, single submitter. Criteria: Invitae Variant Classification Sherloc (09022015). Collection method: clinical testing. Allele origin: germline.

Ambry Genetics
Classification: Uncertain significance for Hereditary cancer-predisposing syndrome. Last evaluated: 2025-07-29. Review status: criteria provided, single submitter. Criteria: Ambry Variant Classification Scheme 2023. Collection method: clinical testing. Allele origin: germline.
Comment: The c.2535G>A variant (also known as p.M845I), located in coding exon 18 of the TSC1 gene, results from a G to A substitution at nucleotide position 2535. The methionine at codon 845 is replaced by isoleucine, an amino acid with highly similar properties. This amino acid position is well conserved in available vertebrate species. In addition, the in silico prediction for this alteration is inconclusive. This nucleotide position is highly conserved in available vertebrate species. In silico splice site analysis predicts that this alteration will not have any significant effect on splicing. However, RNA studies have demonstrated that this alteration results in a transcript predicted to lead to a protein with an in-frame deletion of 41 amino acids; the exact functional impact of the deleted amino acids is unknown at this time (Ambry internal data). Based on the available evidence, the clinical significance of this variant remains unclear.

NM_000368.5(TSC1):c.2535G>A (p.Met845Ile)

Gene: TSC1 (TSC complex subunit 1; minus strand). Cytogenetic location: 9q34.13.
Variant type: single nucleotide variant.
Coding change: c.2535G>A on transcript NM_000368.5 (MANE Select); coding-DNA position 2535, G replaced by A.
Protein change: p.Met845Ile; replaces methionine 845 with isoleucine.
Molecular consequence: missense variant. On other transcripts: non-coding transcript variant (5).
Genome position (GRCh38, 1-based): chr9:132,900,805, C>T on the plus strand (G>A on the coding strand, the complement: TSC1 is on the minus strand). VCF-style: chr9-132900805-C-T. GRCh37 (hg19) VCF-style: chr9-135776192-C-T.
Other names: c.2535G>A, p.Met845Ile (NM_001406593.1, NM_001406594.1, NM_001406595.1 and 2 more transcripts); c.2532G>A, p.Met844Ile (NM_001406597.1, NM_001406598.1, NM_001406599.1 and 2 more transcripts); c.2520G>A, p.Met840Ile (NM_001406601.1, NM_001406602.1); c.2379G>A, p.Met793Ile (NM_001406612.1, NM_001406611.1); c.2337G>A, p.Met779Ile (NM_001406613.1); c.2172G>A, p.Met724Ile (NM_001406614.1, NM_001406615.1, NM_001406616.1 and 4 more transcripts); c.2169G>A, p.Met723Ile (NM_001406620.1, NM_001406621.1, NM_001406622.1 and 1 more transcripts); c.2382G>A, p.Met794Ile (NM_001162427.2, NM_001406610.1); and 8 more; short protein forms M494I, M527I, M709I, M710I, M723I, M839I, M845I, M528I.
Identifiers: ClinVar variation 4192077 (VCV004192077.2).
Genomic context (GRCh38, chr9:132,900,805, plus strand): 5'-TTGTTCCAAATAGAGCTCGTTGACCTCCCCAAGAACCAACAGCTGCCTGTTCAAGAACTC[C>T]ATCTGCTGCTGGACCGACTCACTGTTTGAGAGCTAACCAAAAAACATGAGCAAAGTGAAA-3'
Protein context (NP_000359.1, residues 835-855): LSNSESVQQQ[Met845Ile]EFLNRQLLVL